The following is an entry in ClinVar:

NM_000236.3(LIPC):c.1080C>G (p.Phe360Leu)

Gene: LIPC (lipase C, hepatic type; plus strand). Cytogenetic location: 15q21.3.
Variant type: single nucleotide variant.
Coding change: c.1080C>G on transcript NM_000236.3 (MANE Select); coding-DNA position 1080, C replaced by G.
Protein change: p.Phe360Leu; replaces phenylalanine 360 with leucine.
Molecular consequence: missense variant.
Genome position (GRCh38, 1-based): chr15:58,560,892, C>G. VCF-style: chr15-58560892-C-G. GRCh37 (hg19) VCF-style: chr15-58853091-C-G.
Other names: short protein forms F360L.
Identifiers: ClinVar variation 4693987 (VCV004693987.1).

ClinVar aggregate classification (germline): Uncertain significance (1 of 4 stars; one submission).

gnomAD v4.1: 49 of 1,397,176 alleles (0.0035%); highest among the groups gnomAD compares: Non-Finnish European, 0.0045%; no homozygotes.

Submission:

Labcorp Genetics (formerly Invitae), Labcorp
Classification: Uncertain significance. Last evaluated: 2025-11-02. Review status: criteria provided, single submitter. Criteria: Invitae Variant Classification Sherloc (09022015). Collection method: clinical testing. Allele origin: germline.
Comment: This sequence change replaces phenylalanine, which is neutral and non-polar, with leucine, which is neutral and non-polar, at codon 360 of the LIPC protein (p.Phe360Leu). This variant is present in population databases (rs761590587, gnomAD 0.02%). This missense change has been observed in individual(s) with dyslipidemia (PMID: 36325899). Invitae Evidence Modeling of protein sequence and biophysical properties (such as structural, functional, and spatial information, amino acid conservation, physicochemical variation, residue mobility, and thermodynamic stability) indicates that this missense variant is not expected to disrupt LIPC protein function with a negative predictive value of 80%. In summary, the available evidence is currently insufficient to determine the role of this variant in disease. Therefore, it has been classified as a Variant of Uncertain Significance.

Literature cited by the submitters: PubMed 36325899.